The following is an entry in ClinVar:

NM_000257.4(MYH7):c.2819A>T (p.Lys940Met)

Gene: MYH7 (myosin heavy chain 7; minus strand). Cytogenetic location: 14q11.2.
Variant type: single nucleotide variant.
Coding change: c.2819A>T on transcript NM_000257.4 (MANE Select); coding-DNA position 2819, A replaced by T.
Protein change: p.Lys940Met; replaces lysine 940 with methionine.
Molecular consequence: missense variant.
Genome position (GRCh38, 1-based): chr14:23,424,010, T>A on the plus strand (A>T on the coding strand, the complement: MYH7 is on the minus strand). VCF-style: chr14-23424010-T-A. GRCh37 (hg19) VCF-style: chr14-23893219-T-A.
Other names: short protein forms K940M.
Identifiers: ClinVar variation 924086 (VCV000924086.12), dbSNP rs1892589863, ClinGen allele CA389046940.

ClinVar aggregate classification (germline): Uncertain significance. Review status: criteria provided, multiple submitters, no conflicts (2 of 4 stars). 6 submissions from 6 submitters: Uncertain significance (6). Last evaluated 2024-07-02.

Conditions:
Myopathy, myosin storage, autosomal recessive (CMYO7B). Also called: CONGENITAL MYOPATHY 7B, MYOSIN STORAGE, AUTOSOMAL RECESSIVE. Identifiers: Orphanet 636970, MedGen C1850709, MONDO:0009708, OMIM 255160.
Myosin storage myopathy (CMYO7A). Also called: MYOPATHY, HYALINE BODY, AUTOSOMAL DOMINANT; Scapuloperoneal myopathy, MYH7-related; MYOPATHY WITH LYSIS OF TYPE I MYOFIBRILS; SCAPULOPERONEAL MUSCULAR DYSTROPHY; SCAPULOPERONEAL SYNDROME, MYOPATHIC TYPE; MYH7-related late-onset scapuloperoneal muscular dystrophy. Identifiers: Orphanet 437572, Orphanet 636965, MedGen C1842160, MONDO:0008409, OMIM 608358.
Dilated cardiomyopathy 1S (CMD1S). Identifiers: Orphanet 154, Orphanet 54260, MedGen C1834481, MONDO:0013262, OMIM 613426.
MYH7-related skeletal myopathy. Also called: Myopathy, distal, 1; MYOPATHY, DISTAL, EARLY-ONSET, AUTOSOMAL DOMINANT; MYOPATHY, LATE DISTAL HEREDITARY; Laing distal myopathy; Laing early-onset distal myopathy. Identifiers: Orphanet 59135, MedGen C4552004, MONDO:0008050, OMIM 160500.
Hypertrophic cardiomyopathy 1 (CMH1). Also called: Familial hypertrophic cardiomyopathy 1; MYH7-Related Familial Hypertrophic Cardiomyopathy. Identifiers: MedGen C3495498, MONDO:0008647, OMIM 192600.
Cardiomyopathy (CMYO). Also called: Cardiomyopathies. Identifiers: Orphanet 167848, MedGen C0878544, MONDO:0004994, HP:0001638. Inheritance: Various modes of inheritance.
Congenital myopathy with fiber type disproportion. Also called: Congenital fiber-type disproportion myopathy; Congenital fiber-type disproportion. Identifiers: Orphanet 2020, MedGen C0546264, MONDO:0009711. Inheritance: all.
Cardiovascular phenotype. Identifiers: MedGen CN230736.
Hypertrophic cardiomyopathy. Also called: HYPERTROPHIC MYOCARDIOPATHY. Identifiers: Orphanet 217569, MedGen C0007194, MeSH D002312, MONDO:0005045, HP:0001639.

gnomAD v4.1: 1 of 1,614,256 alleles (0.000062%); no homozygotes.

Submissions (6):

Ambry Genetics
Classification: Uncertain significance for Cardiovascular phenotype. Last evaluated: 2024-07-02. Review status: criteria provided, single submitter. Criteria: Ambry Variant Classification Scheme 2023. Collection method: clinical testing. Allele origin: germline.
Comment: The p.K940M variant (also known as c.2819A>T), located in coding exon 21 of the MYH7 gene, results from an A to T substitution at nucleotide position 2819. The lysine at codon 940 is replaced by methionine, an amino acid with similar properties. This amino acid position is highly conserved in available vertebrate species. In addition, this alteration is predicted to be deleterious by in silico analysis. Based on the available evidence, the clinical significance of this variant remains unclear.

Color Diagnostics, LLC DBA Color Health
Classification: Uncertain significance for Cardiomyopathy. Last evaluated: 2024-03-07. Review status: criteria provided, single submitter. Criteria: ACMG Guidelines, 2015. Collection method: clinical testing. Allele origin: germline.
Comment: This missense variant replaces lysine with methionine at codon 940 of the MYH7 protein. Computational prediction suggests that this variant may have deleterious impact on protein structure and function (internally defined REVEL score threshold >= 0.7, PMID: 27666373). To our knowledge, functional studies have not been reported for this variant. This variant has not been reported in individuals affected with cardiovascular disorders in the literature. This variant has not been identified in the general population by the Genome Aggregation Database (gnomAD). The available evidence is insufficient to determine the role of this variant in disease conclusively. Therefore, this variant is classified as a Variant of Uncertain Significance.

All of Us Research Program, National Institutes of Health
Classification: Uncertain significance for Cardiomyopathy. Last evaluated: 2024-03-05. Review status: criteria provided, single submitter. Criteria: ACMG Guidelines, 2015. Collection method: clinical testing. Allele origin: germline. Inheritance: Autosomal dominant inheritance. Observed: 2 variant alleles, 2 heterozygotes.
Comment: This missense variant replaces lysine with methionine at codon 940 of the MYH7 protein. Computational prediction suggests that this variant may have deleterious impact on protein structure and function (internally defined REVEL score threshold >= 0.7, PMID: 27666373). To our knowledge, functional studies have not been reported for this variant. This variant has not been reported in individuals affected with cardiovascular disorders in the literature. This variant has not been identified in the general population by the Genome Aggregation Database (gnomAD). The available evidence is insufficient to determine the role of this variant in disease conclusively. Therefore, this variant is classified as a Variant of Uncertain Significance.

This study involves interpretation of variants in research participants for the purpose of population health screening. Participant phenotype was not available at the time of variant classification. Additional details can be found in publication PMID: 35346344, PMCID: PMC8962531

Labcorp Genetics (formerly Invitae), Labcorp
Classification: Uncertain significance for Hypertrophic cardiomyopathy. Last evaluated: 2024-02-17. Review status: criteria provided, single submitter. Criteria: Invitae Variant Classification Sherloc (09022015). Collection method: clinical testing. Allele origin: germline.
Comment: This sequence change replaces lysine, which is basic and polar, with methionine, which is neutral and non-polar, at codon 940 of the MYH7 protein (p.Lys940Met). This variant is not present in population databases (gnomAD no frequency). This variant has not been reported in the literature in individuals affected with MYH7-related conditions. ClinVar contains an entry for this variant (Variation ID: 924086). Advanced modeling of protein sequence and biophysical properties (such as structural, functional, and spatial information, amino acid conservation, physicochemical variation, residue mobility, and thermodynamic stability) performed at Invitae indicates that this missense variant is expected to disrupt MYH7 protein function with a positive predictive value of 95%. In summary, the available evidence is currently insufficient to determine the role of this variant in disease. Therefore, it has been classified as a Variant of Uncertain Significance.

Department of Pathology and Laboratory Medicine, Sinai Health System
Classification: Uncertain significance for MYH7-related skeletal myopathy; Hypertrophic cardiomyopathy 1; Myopathy, myosin storage, autosomal recessive; Myosin storage myopathy; Dilated cardiomyopathy 1S. Last evaluated: 2023-04-26. Review status: criteria provided, single submitter. Criteria: ACMG Guidelines, 2015. Collection method: research. Allele origin: germline.

Fulgent Genetics
Classification: Uncertain significance for MYH7-related skeletal myopathy; Myosin storage myopathy; Hypertrophic cardiomyopathy 1; Myopathy, myosin storage, autosomal recessive; Congenital myopathy 4A, autosomal dominant; Dilated cardiomyopathy 1S. Last evaluated: 2021-09-06. Review status: criteria provided, single submitter. Criteria: ACMG Guidelines, 2015. Collection method: clinical testing. Allele origin: unknown.